The following is an entry in ClinVar:

NM_000291.4(PGK1):c.884A>G (p.Asn295Ser)

Gene: PGK1 (phosphoglycerate kinase 1; plus strand). Cytogenetic location: Xq21.1.
Variant type: single nucleotide variant.
Coding change: c.884A>G on transcript NM_000291.4 (MANE Select); coding-DNA position 884, A replaced by G.
Protein change: p.Asn295Ser; replaces asparagine 295 with serine.
Molecular consequence: missense variant.
Genome position (GRCh38, 1-based): chrX:78,123,322, A>G. VCF-style: chrX-78123322-A-G. GRCh37 (hg19) VCF-style: chrX-77378819-A-G.
Other names: short protein forms N295S.
Identifiers: ClinVar variation 4776388 (VCV004776388.1).

ClinVar aggregate classification (germline): Uncertain significance (1 of 4 stars; one submission).

gnomAD v4.1: 1 of 1,209,769 alleles (0.000083%); highest among the groups gnomAD compares: East Asian, 0.003%; no homozygotes.

Submission:

Labcorp Genetics (formerly Invitae), Labcorp
Classification: Uncertain significance. Last evaluated: 2025-04-09. Review status: criteria provided, single submitter. Criteria: Invitae Variant Classification Sherloc (09022015). Collection method: clinical testing. Allele origin: germline.
Comment: This sequence change replaces asparagine, which is neutral and polar, with serine, which is neutral and polar, at codon 295 of the PGK1 protein (p.Asn295Ser). This variant is present in population databases (rs782216899, gnomAD 0.008%). This variant has not been reported in the literature in individuals affected with PGK1-related conditions. Invitae Evidence Modeling of protein sequence and biophysical properties (such as structural, functional, and spatial information, amino acid conservation, physicochemical variation, residue mobility, and thermodynamic stability) indicates that this missense variant is not expected to disrupt PGK1 protein function with a negative predictive value of 80%. In summary, the available evidence is currently insufficient to determine the role of this variant in disease. Therefore, it has been classified as a Variant of Uncertain Significance.